The following is an entry in ClinVar:

NM_003742.4(ABCB11):c.2343+15G>A

Gene: ABCB11 (ATP binding cassette subfamily B member 11; minus strand). Cytogenetic location: 2q31.1.
Variant type: single nucleotide variant.
Coding change: c.2343+15G>A on transcript NM_003742.4 (MANE Select); 15 bases into the intron after coding-DNA position 2343, G replaced by A.
Molecular consequence: intron variant.
Genome position (GRCh38, 1-based): chr2:168,957,949, C>T on the plus strand (G>A on the coding strand, the complement: ABCB11 is on the minus strand). VCF-style: chr2-168957949-C-T. GRCh37 (hg19) VCF-style: chr2-169814459-C-T.
Other names: c.2343+15G>A (LRG_1199t1).
Identifiers: ClinVar variation 508747 (VCV000508747.2), dbSNP rs1553553549, ClinGen allele CA658795958.

ClinVar aggregate classification (germline): Likely benign. Review status: criteria provided, multiple submitters, no conflicts (2 of 4 stars). 2 submissions from 2 submitters: Likely benign (2). Last evaluated 2025-06-12.

Allele frequency attached by ClinVar (database versions not stated): gnomAD exomes below 0.00001.
gnomAD v4.1: 1 of 1,510,136 alleles (0.000066%); highest among the groups gnomAD compares: Non-Finnish European, 0.00009%; no homozygotes.

Submissions (2):

Labcorp Genetics (formerly Invitae), Labcorp
Classification: Likely benign. Last evaluated: 2025-06-12. Review status: criteria provided, single submitter. Criteria: Invitae Variant Classification Sherloc (09022015). Collection method: clinical testing. Allele origin: germline.

GeneDx
Classification: Likely benign. Last evaluated: 2017-04-18. Review status: criteria provided, single submitter. Criteria: GeneDx Variant Classification (06012015). Collection method: clinical testing. Allele origin: germline. Affected: yes.
Comment: This variant is considered likely benign or benign based on one or more of the following criteria: it is a conservative change, it occurs at a poorly conserved position in the protein, it is predicted to be benign by multiple in silico algorithms, and/or has population frequency not consistent with disease.